The following is an entry in ClinVar:

ClinVar aggregate classification (germline): Uncertain significance (1 of 4 stars; one submission).

Conditions:
Multiple endocrine neoplasia, type 2 (MEN2). Identifiers: Orphanet 653, MedGen C4048306, MONDO:0019003. Disease mechanism: gain of function.

Allele frequency attached by ClinVar (database versions not stated): gnomAD exomes below 0.00001; ExAC 0.00001.
gnomAD v4.1: 1 of 1,612,694 alleles (0.000062%); highest among the groups gnomAD compares: South Asian, 0.0011%; no homozygotes.

Submission:

All of Us Research Program, National Institutes of Health
Classification: Uncertain significance for Multiple endocrine neoplasia, type 2. Last evaluated: 2024-04-25. Review status: criteria provided, single submitter. Criteria: ACMG Guidelines, 2015. Collection method: clinical testing. Allele origin: germline. Inheritance: Autosomal dominant inheritance. Observed: 1 variant allele, 1 heterozygote.
Comment: This missense variant replaces lysine with threonine at codon 666 of the RET protein. Computational prediction suggests that this variant may have deleterious impact on protein structure and function (internally defined REVEL score threshold >= 0.7, PMID: 27666373). To our knowledge, functional studies have not been reported for this variant. This variant has been reported in an individual affected with medullary thyroid cancer and pheochromocytoma (PMID: 28946813). This variant has been identified in 1/250868 chromosomes in the general population by the Genome Aggregation Database (gnomAD). Different missense variants occurring at the same codon, p.Lys666Asn and p.Lys666Glu, are well-documented pathogenic mutations (ClinVar Variation ID: 230926, 24932, 24931), indicating that lysine at this position is important for RET protein function. The available evidence is insufficient to determine the role of this variant in disease conclusively. Therefore, this variant is classified as a Variant of Uncertain Significance.

This study involves interpretation of variants in research participants for the purpose of population health screening. Participant phenotype was not available at the time of variant classification. Additional details can be found in publication PMID: 35346344, PMCID: PMC8962531

Literature cited by the submitters: PubMed 28946813.

NM_020975.6(RET):c.1997A>C (p.Lys666Thr)

Gene: RET (ret proto-oncogene; plus strand). Cytogenetic location: 10q11.21.
Variant type: single nucleotide variant.
Coding change: c.1997A>C on transcript NM_020975.6 (MANE Select); coding-DNA position 1997, A replaced by C.
Protein change: p.Lys666Thr; replaces lysine 666 with threonine.
Molecular consequence: missense variant.
Genome position (GRCh38, 1-based): chr10:43,114,597, A>C. VCF-style: chr10-43114597-A-C. GRCh37 (hg19) VCF-style: chr10-43610045-A-C.
Other names: c.1997A>C, p.Lys666Thr (NM_000323.2, NM_001406743.1, NM_001406744.1 and 4 more transcripts); c.1235A>C, p.Lys412Thr (NM_001355216.2); c.1868A>C, p.Lys623Thr (NM_001406761.1, NM_001406762.1, NM_001406764.1); c.1709A>C, p.Lys570Thr (NM_001406766.1, NM_001406767.1, NM_001406770.1); c.1601A>C, p.Lys534Thr (NM_001406769.1, NM_001406772.1); c.1559A>C, p.Lys520Thr (NM_001406771.1, NM_001406773.1); c.1472A>C, p.Lys491Thr (NM_001406774.1); c.1271A>C, p.Lys424Thr (NM_001406775.1, NM_001406776.1, NM_001406777.1 and 1 more transcripts); and 7 more; short protein forms K666T, K412T, K271T, K491T, K367T, K534T, K183T, K231T.
Identifiers: ClinVar variation 3387599 (VCV003387599.1), dbSNP rs377767439.